The following is an entry in ClinVar:

NM_015100.4(POGZ):c.1015G>A (p.Val339Met)

Gene: POGZ (pogo transposable element derived with ZNF domain; minus strand). Cytogenetic location: 1q21.3.
Variant type: single nucleotide variant.
Coding change: c.1015G>A on transcript NM_015100.4 (MANE Select); coding-DNA position 1015, G replaced by A.
Protein change: p.Val339Met; replaces valine 339 with methionine.
Molecular consequence: missense variant.
Genome position (GRCh38, 1-based): chr1:151,427,886, C>T on the plus strand (G>A on the coding strand, the complement: POGZ is on the minus strand). VCF-style: chr1-151427886-C-T. GRCh37 (hg19) VCF-style: chr1-151400362-C-T.
Other names: c.988G>A, p.Val330Met (NM_001194937.2); c.829G>A, p.Val277Met (NM_001194938.2); c.1036G>A, p.Val346Met (NM_001410860.1); c.730G>A, p.Val244Met (NM_145796.4); c.856G>A, p.Val286Met (NM_207171.2); short protein forms V277M, V339M, V286M, V330M, V346M, V244M.
Identifiers: ClinVar variation 2308844 (VCV002308844.2), dbSNP rs1658043855, ClinGen allele CA341975746.

ClinVar aggregate classification (germline): Uncertain significance (1 of 4 stars; one submission).

Conditions:
Inborn genetic diseases. Identifiers: MedGen C0950123, MeSH D030342.

Allele frequency attached by ClinVar (database versions not stated): gnomAD exomes 0.00001.
gnomAD v4.1: 20 of 1,614,162 alleles (0.0012%); highest among the groups gnomAD compares: Non-Finnish European, 0.0016%; no homozygotes.

Submission:

Ambry Genetics
Classification: Uncertain significance for Inborn genetic diseases. Last evaluated: 2022-08-26. Review status: criteria provided, single submitter. Criteria: Ambry Variant Classification Scheme 2023. Collection method: clinical testing. Allele origin: germline.
Comment: The c.1015G>A (p.V339M) alteration is located in exon 7 (coding exon 6) of the POGZ gene. This alteration results from a G to A substitution at nucleotide position 1015, causing the valine (V) at amino acid position 339 to be replaced by a methionine (M). This variant was not reported in population-based cohorts in the Genome Aggregation Database (gnomAD). This amino acid position is highly conserved in available vertebrate species. This alteration is predicted to be tolerated by in silico analysis. Based on insufficient or conflicting evidence, the clinical significance of this alteration remains unclear.